The following is an entry in ClinVar:

ClinVar aggregate classification (germline): Conflicting classifications of pathogenicity. Review status: criteria provided, conflicting classifications (1 of 4 stars). 3 submissions from 3 submitters: Uncertain significance (1); Likely benign (2). Last evaluated 2023-05-23.

Conditions:
Hereditary cancer-predisposing syndrome. Also called: Neoplastic Syndromes, Hereditary; Hereditary Cancer Syndrome; Hereditary neoplastic syndrome; Tumor predisposition. Identifiers: Orphanet 140162, MedGen C0027672, MeSH D009386, MONDO:0015356.
Hereditary breast ovarian cancer syndrome. Also called: Hereditary breast and ovarian cancer syndrome (HBOC); Hereditary breast and ovarian cancer syndrome; Breast and ovarian cancer; Hereditary breast and/or ovarian cancer syndrome; Hereditary breast and ovarian cancer; BRCA1- and BRCA2-Associated Hereditary Breast and Ovarian Cancer. Identifiers: Orphanet 145, MedGen C0677776, MeSH D061325, MONDO:0003582. Disease mechanism: loss of function.

Submissions (3):

Color Diagnostics, LLC DBA Color Health
Classification: Uncertain significance for Hereditary cancer-predisposing syndrome. Last evaluated: 2023-05-23. Review status: criteria provided, single submitter. Criteria: ACMG Guidelines, 2015. Collection method: clinical testing. Allele origin: germline.
Comment: This synonymous variant causes a G>A nucleotide change in exon 9 of the BRCA1 gene. Splice site prediction tool indicates that this variant may significantly disrupt the intron 9 splice donor site (PMID: 35449021). To our knowledge, RNA studies have not been reported to test this prediction. A known alternative mRNA transcript lacking exons 8 and 9 that is predicted to encode an in-frame truncated BRCA1 protein can potentially suppress this splicing defect (PMID: 27008870). This variant has not been reported in individuals affected with BRCA1-related disorders in the literature. This variant has not been identified in the general population by the Genome Aggregation Database (gnomAD). The available evidence is insufficient to determine the role of this variant in disease conclusively. Therefore, this variant is classified as a Variant of Uncertain Significance.

Ambry Genetics
Classification: Likely benign for Hereditary cancer-predisposing syndrome. Last evaluated: 2021-10-09. Review status: criteria provided, single submitter. Criteria: Ambry Variant Classification Scheme 2023. Collection method: clinical testing. Allele origin: germline.

Labcorp Genetics (formerly Invitae), Labcorp
Classification: Likely benign for Hereditary breast ovarian cancer syndrome. Last evaluated: 2019-11-11. Review status: criteria provided, single submitter. Criteria: Invitae Variant Classification Sherloc (09022015). Collection method: clinical testing. Allele origin: germline.

Literature cited by the submitters: PubMed 27008870 (cited by Color Diagnostics, LLC DBA Color Health); PubMed 35449021 (cited by Color Diagnostics, LLC DBA Color Health).

NM_007294.4(BRCA1):c.654G>A (p.Leu218=)

Gene: BRCA1 (BRCA1 DNA repair associated; minus strand). Cytogenetic location: 17q21.31.
Variant type: single nucleotide variant.
Coding change: c.654G>A on transcript NM_007294.4 (MANE Select); coding-DNA position 654, G replaced by A.
Protein change: p.Leu218=; no amino-acid change (leucine 218 retained).
Molecular consequence: synonymous variant. On other transcripts: intron variant (115).
Genome position (GRCh38, 1-based): chr17:43,095,862, C>T on the plus strand (G>A on the coding strand, the complement: BRCA1 is on the minus strand). VCF-style: chr17-43095862-C-T. GRCh37 (hg19) VCF-style: chr17-41247879-C-T.
Other names: c.441G>A, p.Leu147= (NM_001407571.1, NM_001407853.1, NM_001407894.1 and 12 more transcripts); c.654G>A, p.Leu218= (NM_001407581.1, NM_001407582.1, NM_001407583.1 and 59 more transcripts); c.651G>A, p.Leu217= (NM_001407587.1, NM_001407590.1, NM_001407591.1 and 41 more transcripts); c.645G>A, p.Leu215= (NM_001407646.1, NM_001407647.1, NM_001408408.1); c.576G>A, p.Leu192= (NM_001407653.1, NM_001407654.1, NM_001407655.1 and 9 more transcripts); c.573G>A, p.Leu191= (NM_001407659.1, NM_001407660.1, NM_001407661.1 and 3 more transcripts); c.513G>A, p.Leu171= (NM_001407692.1, NM_001407694.1, NM_001407695.1 and 43 more transcripts); c.510G>A, p.Leu170= (NM_001407740.1, NM_001407741.1, NM_001407742.1 and 26 more transcripts); and 17 more.
Identifiers: ClinVar variation 462683 (VCV000462683.17), dbSNP rs1555593548, ClinGen allele CA500124015.